The following is an entry in ClinVar:

ClinVar aggregate classification (germline): Uncertain significance (1 of 4 stars; one submission).

Allele frequency attached by ClinVar (database versions not stated): gnomAD exomes below 0.00001; TOPMed below 0.00001; gnomAD 0.00001.
gnomAD v4.1: 7 of 1,613,782 alleles (0.00043%); highest among the groups gnomAD compares: African/African-American, 0.0013%; no homozygotes.

Submission:

Labcorp Genetics (formerly Invitae), Labcorp
Classification: Uncertain significance. Last evaluated: 2022-08-11. Review status: criteria provided, single submitter. Criteria: Invitae Variant Classification Sherloc (09022015). Collection method: clinical testing. Allele origin: germline.
Comment: This sequence change replaces phenylalanine, which is neutral and non-polar, with cysteine, which is neutral and slightly polar, at codon 288 of the MICAL1 protein (p.Phe288Cys). In summary, the available evidence is currently insufficient to determine the role of this variant in disease. Therefore, it has been classified as a Variant of Uncertain Significance. Algorithms developed to predict the effect of missense changes on protein structure and function are either unavailable or do not agree on the potential impact of this missense change (SIFT: "Deleterious"; PolyPhen-2: "Probably Damaging"; Align-GVGD: "Class C0"). This variant has not been reported in the literature in individuals affected with MICAL1-related conditions. This variant is present in population databases (no rsID available, gnomAD 0.002%).

NM_022765.4(MICAL1):c.806T>G (p.Phe269Cys)

Gene: MICAL1 (microtubule associated monooxygenase, calponin and LIM domain containing 1; minus strand). Cytogenetic location: 6q21.
Variant type: single nucleotide variant.
Coding change: c.806T>G on transcript NM_022765.4 (MANE Select); coding-DNA position 806, T replaced by G.
Protein change: p.Phe269Cys; replaces phenylalanine 269 with cysteine.
Molecular consequence: missense variant.
Genome position (GRCh38, 1-based): chr6:109,452,272, A>C on the plus strand (T>G on the coding strand, the complement: MICAL1 is on the minus strand). VCF-style: chr6-109452272-A-C. GRCh37 (hg19) VCF-style: chr6-109773475-A-C.
Other names: c.806T>G, p.Phe269Cys (NM_001159291.2); c.863T>G, p.Phe288Cys (NM_001286613.2); short protein forms F269C, F288C.
Identifiers: ClinVar variation 1939504 (VCV001939504.5), dbSNP rs1259406571, ClinGen allele CA365232523.